The following is an entry in ClinVar:

NM_001291303.3(FAT4):c.11885ATT[1] (p.Tyr3963del)

Gene: FAT4 (FAT atypical cadherin 4; plus strand). Cytogenetic location: 4q28.1.
Variant type: Microsatellite.
Coding change: c.11885ATT[1] on transcript NM_001291303.3 (MANE Select); one copy of the 3-base unit ATT starting at c.11885; the reference has two copies in a row; one copy, 3 bases deleted; also written c.11888_11890del.
Protein change: p.Tyr3963del; deletes tyrosine 3963.
Molecular consequence: inframe deletion.
Genome position (GRCh38, 1-based): chr4:125,463,650-125,463,652, ATT deleted; deleting any 3 consecutive bases within chr4:125,463,645-125,463,652 gives the same sequence; the position shown is the placement nearest the transcript's 3' end. VCF-style (leftmost placement, unchanged base first): chr4-125463644-CTTA-C. GRCh37 (hg19) VCF-style: chr4-126384799-CTTA-C.
Other names: c.11888_11890del (NM_001291303.3); c.11885ATT[1], p.Tyr3963del (NM_001291285.3); c.11879ATT[1], p.Tyr3961del (NM_024582.6); short protein forms Y3961del, Y3963del.
Identifiers: ClinVar variation 1219200 (VCV001219200.9), dbSNP rs766475561, ClinGen allele CA3073941.
Genomic context (GRCh38, chr4:125,463,644, plus strand): 5'-TCAATTACTGTGAATGCAACCCCTGCTTTAATGGTGGTTCCTGCCAAAGTGGTGTGGATT[CTTA>C]TTATTGTCATTGTCCATTTGGTGAGTAAAACTTATTTGTTGATATAAAATATAAGTTTAT-3'

ClinVar aggregate classification (germline): Uncertain significance. Review status: criteria provided, multiple submitters, no conflicts (2 of 4 stars). 3 submissions from 3 submitters: Uncertain significance (3). Last evaluated 2025-12-01.

Conditions:
Van Maldergem syndrome 2 (VMLDS2). Identifiers: Orphanet 314679, MedGen C3809875, MONDO:0014242, OMIM 615546.
Hennekam lymphangiectasia-lymphedema syndrome 2 (HKLLS2). Identifiers: Orphanet 2136, MedGen C4014939, MONDO:0014454, OMIM 616006.

Submissions (3):

Labcorp Genetics (formerly Invitae), Labcorp
Classification: Uncertain significance. Last evaluated: 2025-12-01. Review status: criteria provided, single submitter. Criteria: Invitae Variant Classification Sherloc (09022015). Collection method: clinical testing. Allele origin: germline.
Comment: This variant, c.11882_11884del, results in the deletion of 1 amino acid(s) of the FAT4 protein (p.Tyr3961del), but otherwise preserves the integrity of the reading frame. This variant is present in population databases (rs766475561, gnomAD 0.02%). This variant has not been reported in the literature in individuals affected with FAT4-related conditions. ClinVar contains an entry for this variant (Variation ID: 1219200). Experimental studies and prediction algorithms are not available or were not evaluated, and the functional significance of this variant is currently unknown. In summary, the available evidence is currently insufficient to determine the role of this variant in disease. Therefore, it has been classified as a Variant of Uncertain Significance.

Clinical Genomics Laboratory, Washington University in St. Louis
Classification: Uncertain significance for Van Maldergem syndrome 2; Hennekam lymphangiectasia-lymphedema syndrome 2. Last evaluated: 2025-11-23. Review status: criteria provided, single submitter. Criteria: ACMG Guidelines, 2015. Collection method: clinical testing. Allele origin: germline.
Comment: A FAT4 c.11888_11890del (p.Tyr3963del) variant was identified at a near heterozygous allelic fraction of 48.1%, a frequency which may be consistent with germline origin. This variant, to our knowledge, has not been reported in the medical literature. It deletes a single amino acid, tyrosine at position 3963, of the FAT4 gene, but preserves the reading frame. The FAT4 c.11888_11890del (p.Tyr3963del) variant occurs in 111/1,587,238 alleles in the general population. Due to limited information, and based on ACMG/AMP guidelines for variant interpretation (Richards S et al., PMID: 25741868), the clinical significance of this variant is uncertain at this time.

GeneDx
Classification: Uncertain significance. Last evaluated: 2020-04-30. Review status: criteria provided, single submitter. Criteria: GeneDx Variant Classification Process June 2021. Collection method: clinical testing. Allele origin: germline. Affected: yes.
Comment: In-frame deletion of 1 amino acid in a non-repeat region; In silico analysis, which includes protein predictors and evolutionary conservation, supports a deleterious effect; Has not been previously published as pathogenic or benign to our knowledge

Literature cited by the submitters: uncertain (cited by Clinical Genomics Laboratory, Washington University in St. Louis).